The following is an entry in ClinVar:

ClinVar aggregate classification (germline): Uncertain significance. Review status: criteria provided, multiple submitters, no conflicts (2 of 4 stars). 2 submissions from 2 submitters: Uncertain significance (2). Last evaluated 2024-07-08.

Conditions:
DICER1-related tumor predisposition. Also called: DICER1-related pleuropulmonary blastoma cancer predisposition syndrome; DICER1 syndrome. Identifiers: Orphanet 284343, MedGen C3839822, MONDO:0100216.
Hereditary cancer-predisposing syndrome. Also called: Hereditary neoplastic syndrome; Neoplastic Syndromes, Hereditary; Hereditary Cancer Syndrome; Tumor predisposition. Identifiers: Orphanet 140162, MedGen C0027672, MeSH D009386, MONDO:0015356.

Submissions (2):

Labcorp Genetics (formerly Invitae), Labcorp
Classification: Uncertain significance for DICER1-related tumor predisposition. Last evaluated: 2024-07-08. Review status: criteria provided, single submitter. Criteria: Invitae Variant Classification Sherloc (09022015). Collection method: clinical testing. Allele origin: germline.
Comment: This sequence change replaces glycine, which is neutral and non-polar, with valine, which is neutral and non-polar, at codon 465 of the DICER1 protein (p.Gly465Val). This variant is not present in population databases (gnomAD no frequency). This variant has not been reported in the literature in individuals affected with DICER1-related conditions. Advanced modeling of protein sequence and biophysical properties (such as structural, functional, and spatial information, amino acid conservation, physicochemical variation, residue mobility, and thermodynamic stability) performed at Invitae indicates that this missense variant is not expected to disrupt DICER1 protein function with a negative predictive value of 80%. In summary, the available evidence is currently insufficient to determine the role of this variant in disease. Therefore, it has been classified as a Variant of Uncertain Significance.

Ambry Genetics
Classification: Uncertain significance for Hereditary cancer-predisposing syndrome. Last evaluated: 2024-01-01. Review status: criteria provided, single submitter. Criteria: Ambry Variant Classification Scheme 2023. Collection method: clinical testing. Allele origin: germline.
Comment: The p.G465V variant (also known as c.1394G>T), located in coding exon 8 of the DICER1 gene, results from a G to T substitution at nucleotide position 1394. The glycine at codon 465 is replaced by valine, an amino acid with dissimilar properties. This amino acid position is conserved. In addition, this alteration is predicted to be deleterious by in silico analysis. Since supporting evidence is limited at this time, the clinical significance of this alteration remains unclear.

NM_177438.3(DICER1):c.1394G>T (p.Gly465Val)

Gene: DICER1 (dicer 1, ribonuclease III; minus strand). Cytogenetic location: 14q32.13.
Variant type: single nucleotide variant.
Coding change: c.1394G>T on transcript NM_177438.3 (MANE Select); coding-DNA position 1394, G replaced by T.
Protein change: p.Gly465Val; replaces glycine 465 with valine.
Molecular consequence: missense variant. On other transcripts: 5 prime UTR variant (1), non-coding transcript variant (6).
Genome position (GRCh38, 1-based): chr14:95,117,737, C>A on the plus strand (G>T on the coding strand, the complement: DICER1 is on the minus strand). VCF-style: chr14-95117737-C-A. GRCh37 (hg19) VCF-style: chr14-95584074-C-A.
Other names: c.1394G>T, p.Gly465Val (NM_001395679.1, NM_001395680.1, NM_001395681.1 and 13 more transcripts); c.1112G>T, p.Gly371Val (NM_001395686.1); c.989G>T, p.Gly330Val (NM_001395687.1, NM_001395688.1, NM_001395689.1 and 3 more transcripts); c.827G>T, p.Gly276Val (NM_001395691.1); c.-175G>T (NM_001395697.1); short protein forms G276V, G330V, G465V, G371V.
Identifiers: ClinVar variation 2718928 (VCV002718928.4), dbSNP rs1892608239, ClinGen allele CA390885666.